The following is an entry in ClinVar:

ClinVar aggregate classification (germline): Uncertain significance (1 of 4 stars; one submission).

Conditions:
Neuropathy, hereditary sensory and autonomic, type 2A (HSAN2A). Also called: ACROOSTEOLYSIS, GIACCAI TYPE; ACROOSTEOLYSIS, NEUROGENIC; MORVAN DISEASE; NEUROPATHY, CONGENITAL SENSORY; NEUROPATHY, HEREDITARY SENSORY RADICULAR, AUTOSOMAL RECESSIVE; NEUROPATHY, HEREDITARY SENSORY, TYPE IIA. Identifiers: Orphanet 970, MedGen C2752089, MONDO:0024309, OMIM 201300.
Pseudohypoaldosteronism type 2C (PHA2C). Also called: Pseudohypoaldosteronism Type IIC. Identifiers: Orphanet 757, Orphanet 88940, MedGen C1840391, MONDO:0013778, OMIM 614492.

Submission:

Labcorp Genetics (formerly Invitae), Labcorp
Classification: Uncertain significance for Neuropathy, hereditary sensory and autonomic, type 2A; Pseudohypoaldosteronism type 2C. Last evaluated: 2024-12-13. Review status: criteria provided, single submitter. Criteria: Invitae Variant Classification Sherloc (09022015). Collection method: clinical testing. Allele origin: germline.
Comment: This sequence change replaces glycine, which is neutral and non-polar, with glutamic acid, which is acidic and polar, at codon 144 of the WNK1 protein (p.Gly144Glu). This variant is not present in population databases (gnomAD no frequency). This variant has not been reported in the literature in individuals affected with WNK1-related conditions. Invitae Evidence Modeling of protein sequence and biophysical properties (such as structural, functional, and spatial information, amino acid conservation, physicochemical variation, residue mobility, and thermodynamic stability) indicates that this missense variant is not expected to disrupt WNK1 protein function with a negative predictive value of 95%. In summary, the available evidence is currently insufficient to determine the role of this variant in disease. Therefore, it has been classified as a Variant of Uncertain Significance.

NM_018979.4(WNK1):c.431G>A (p.Gly144Glu)

Gene: WNK1 (WNK lysine deficient protein kinase 1; plus strand). Cytogenetic location: 12p13.33.
Variant type: single nucleotide variant.
Coding change: c.431G>A on transcript NM_018979.4 (MANE Select); coding-DNA position 431, G replaced by A.
Protein change: p.Gly144Glu; replaces glycine 144 with glutamic acid.
Molecular consequence: missense variant.
Genome position (GRCh38, 1-based): chr12:753,996, G>A. VCF-style: chr12-753996-G-A. GRCh37 (hg19) VCF-style: chr12-863162-G-A.
Other names: c.431G>A, p.Gly144Glu (NM_001184985.2, NM_014823.3, NM_213655.5); short protein forms G144E.
Identifiers: ClinVar variation 3753822 (VCV003753822.2).